The following is an entry in ClinVar:

ClinVar aggregate classification (germline): Uncertain significance (1 of 4 stars; one submission).

Conditions:
Spastic ataxia 2. Also called: Ataxia, spastic, 2, autosomal recessive. Identifiers: Orphanet 397946, MedGen C1969796, MONDO:0012651, OMIM 611302.

Submission:

Labcorp Genetics (formerly Invitae), Labcorp
Classification: Uncertain significance for Spastic ataxia 2. Last evaluated: 2019-10-29. Review status: criteria provided, single submitter. Criteria: Invitae Variant Classification Sherloc (09022015). Collection method: clinical testing. Allele origin: germline.
Comment: Algorithms developed to predict the effect of missense changes on protein structure and function are either unavailable or do not agree on the potential impact of this missense change (SIFT: "Deleterious"; PolyPhen-2: "Benign"; Align-GVGD: "Class C0"). In summary, the available evidence is currently insufficient to determine the role of this variant in disease. Therefore, it has been classified as a Variant of Uncertain Significance. This variant has not been reported in the literature in individuals with KIF1C-related conditions. This variant is not present in population databases (ExAC no frequency). This sequence change replaces glutamic acid with lysine at codon 1098 of the KIF1C protein (p.Glu1098Lys). The glutamic acid residue is highly conserved and there is a small physicochemical difference between glutamic acid and lysine.

NM_006612.6(KIF1C):c.3292G>A (p.Glu1098Lys)

Gene: KIF1C (kinesin family member 1C; plus strand). Cytogenetic location: 17p13.2.
Variant type: single nucleotide variant.
Coding change: c.3292G>A on transcript NM_006612.6 (MANE Select); coding-DNA position 3292, G replaced by A.
Protein change: p.Glu1098Lys; replaces glutamic acid 1098 with lysine.
Molecular consequence: missense variant.
Genome position (GRCh38, 1-based): chr17:5,024,131, G>A. VCF-style: chr17-5024131-G-A. GRCh37 (hg19) VCF-style: chr17-4927426-G-A.
Other names: short protein forms E1098K.
Identifiers: ClinVar variation 967691 (VCV000967691.9), dbSNP rs1975158981, ClinGen allele CA397321507.